The following is an entry in ClinVar:

ClinVar aggregate classification (germline): Uncertain significance. Review status: criteria provided, multiple submitters, no conflicts (2 of 4 stars). 5 submissions from 5 submitters: Uncertain significance (5). Last evaluated 2026-09-11.

Conditions:
Cardiovascular phenotype. Identifiers: MedGen CN230736.
Familial hypercholesterolemia. Also called: Familial hypercholesterolemias; Familial hypercholesterolaemia. Identifiers: MedGen C0020445, MONDO:0005439.
Hypercholesterolemia, autosomal dominant, 3 (FHCL3). Also called: PCSK9-Related Familial Hypercholesterolemia, Autosomal Dominant; Familial Hypercholesterolemia, Autosomal Dominant, 3; Familial hypercholesterolemia 3. Identifiers: MedGen C1863551, MONDO:0011369, OMIM 603776.

Submissions (5):

GeneDx
Classification: Uncertain significance. Last evaluated: 2026-09-11. Review status: criteria provided, single submitter. Criteria: GeneDx Variant Classification Process June 2021. Collection method: clinical testing. Allele origin: germline.
Comment: In silico analysis supports a deleterious effect on protein structure/function; Has not been previously published as pathogenic or benign to our knowledge; In silico analysis suggests this variant may impact gene splicing. In the absence of RNA/functional studies, the actual effect of this sequence change is unknown.

Women's Health and Genetics/Laboratory Corporation of America, LabCorp
Classification: Uncertain significance. Last evaluated: 2025-06-09. Review status: criteria provided, single submitter. Criteria: LabCorp Variant Classification Summary - May 2015. Collection method: clinical testing. Allele origin: germline.
Comment: Variant summary: PCSK9 c.1378_1380delinsATG (p.Val460Met) results in a conservative amino acid change in the encoded protein sequence. Algorithms developed to predict the effect of missense changes on protein structure and function are either unavailable or do not agree on the potential impact of this missense change. The variant was absent in 282786 control chromosomes (gnomAD). The available data on variant occurrences in the general population are insufficient to allow any conclusion about variant significance. To our knowledge, no occurrence of c.1378_1380delinsATG in individuals affected with Familial Hypercholesterolemia and no experimental evidence demonstrating its impact on protein function have been reported. ClinVar contains an entry for this variant (Variation ID: 927539). Based on the evidence outlined above, the variant was classified as uncertain significance.

Color Diagnostics, LLC DBA Color Health
Classification: Uncertain significance for Familial hypercholesterolemia. Last evaluated: 2023-12-04. Review status: criteria provided, single submitter. Criteria: ACMG Guidelines, 2015. Collection method: clinical testing. Allele origin: germline.
Comment: Variant of Uncertain Significance due to insufficient evidence: This missense variant replaces valine with methionine at codon 460 of the PCSK9 protein. Computational prediction tools and conservation analyses are inconclusive regarding the impact of this variant on the protein function. Computational splicing tools suggest that this variant may not impact RNA splicing. To our knowledge, functional assays have not been performed for this variant nor has this variant been reported in individuals affected with familial hypercholesterolemia in the literature. This variant is rare in the general population and has been identified in 0/277264 chromosomes by the Genome Aggregation Database (gnomAD). Available evidence is insufficient to determine the role of this variant in disease conclusively.

Ambry Genetics
Classification: Uncertain significance for Cardiovascular phenotype. Last evaluated: 2023-10-24. Review status: criteria provided, single submitter. Criteria: Ambry Variant Classification Scheme 2023. Collection method: clinical testing. Allele origin: germline.
Comment: The c.1378_1380delGTAinsATG variant (also known as p.V460M), located in coding exon 9 of the PCSK9 gene, results from an in-frame deletion of GTA and insertion of ATG at nucleotide positions 1378 to 1380. This results in the substitution of the valine residue for a methionine residue at codon 460, an amino acid with highly similar properties. Based on data from gnomAD, this allele has an overall frequency of 0.005% (13/282786) total alleles studied. This amino acid position is highly conserved in available vertebrate species. In addition, this alteration is predicted to be neutral by in silico analysis (Choi Y et al. PLoS ONE. 2012; 7(10):e46688). Since supporting evidence is limited at this time, the clinical significance of this alteration remains unclear.

Fulgent Genetics
Classification: Uncertain significance for Hypercholesterolemia, autosomal dominant, 3. Last evaluated: 2021-07-06. Review status: criteria provided, single submitter. Criteria: ACMG Guidelines, 2015. Collection method: clinical testing. Allele origin: unknown.

NM_174936.4(PCSK9):c.1378_1380delinsATG (p.Val460Met)

Gene: PCSK9 (proprotein convertase subtilisin/kexin type 9; plus strand). Cytogenetic location: 1p32.3.
Variant type: Indel.
Coding change: c.1378_1380delinsATG on transcript NM_174936.4 (MANE Select); coding-DNA positions 1378 to 1380, GTA replaced by ATG.
Protein change: p.Val460Met; replaces valine 460 with methionine.
Molecular consequence: missense variant.
Genome position (GRCh38, 1-based): chr1:55,058,522-55,058,524, GTA replaced by ATG. VCF-style: chr1-55058522-GTA-ATG. GRCh37 (hg19) VCF-style: chr1-55524195-GTA-ATG.
Other names: c.1501_1503delGTAinsATG, p.Val501Met (NM_001407240.1); c.1378_1380delGTAinsATG, p.Val460Met (NM_001407241.1, NM_174936.3); c.1381_1383delGTAinsATG, p.Val461Met (NM_001407242.1); c.1321_1323delGTAinsATG, p.Val441Met (NM_001407243.1); c.1204_1206delGTAinsATG, p.Val402Met (NM_001407244.1); c.1186_1188delGTAinsATG, p.Val396Met (NM_001407245.1); c.1003_1005delGTAinsATG, p.Val335Met (NM_001407246.1); short protein forms V460M, V335M, V396M, V461M, V402M, V441M, V501M.
Identifiers: ClinVar variation 927539 (VCV000927539.11), dbSNP rs1644733403, ClinGen allele CA913187553.
Genomic context (GRCh38, chr1:55,058,522, plus strand): 5'-CCCAGCACCCCCTCCTCATCCCAGGCCCTTTTTGCAGGTTGGCAGCTGTTTTGCAGGACT[GTA>ATG]TGGTCAGCACACTCGGGGCCTACACGGATGGCCACAGCCGTCGCCCGCTGCGCCCCAGAT-3'
Protein context (NP_777596.2, residues 450-470): GAGWQLFCRT[Val460Met]WSAHSGPTRM